The following is an entry in ClinVar:

NM_001042492.3(NF1):c.4183C>G (p.Gln1395Glu)

Gene: NF1 (neurofibromin 1; plus strand). Cytogenetic location: 17q11.2.
Variant type: single nucleotide variant.
Coding change: c.4183C>G on transcript NM_001042492.3 (MANE Select); coding-DNA position 4183, C replaced by G.
Protein change: p.Gln1395Glu; replaces glutamine 1395 with glutamic acid.
Molecular consequence: missense variant.
Genome position (GRCh38, 1-based): chr17:31,258,353, C>G. VCF-style: chr17-31258353-C-G. GRCh37 (hg19) VCF-style: chr17-29585371-C-G.
Other names: c.4120C>G, p.Gln1374Glu (NM_000267.4); short protein forms Q1374E, Q1395E.
Identifiers: ClinVar variation 2754137 (VCV002754137.3), dbSNP rs1555618494, ClinGen allele CA398997532.

ClinVar aggregate classification (germline): Uncertain significance (1 of 4 stars; one submission).

Conditions:
Neurofibromatosis, type 1 (NF1). Also called: VON RECKLINGHAUSEN DISEASE; NEUROFIBROMATOSIS, TYPE I, SOMATIC; Peripheral type neurofibromatosis; Neurofibromatosis, type I. Identifiers: Orphanet 636, MedGen C0027831, MONDO:0018975, OMIM 162200. Disease mechanism: loss of function.

Submission:

Labcorp Genetics (formerly Invitae), Labcorp
Classification: Uncertain significance for Neurofibromatosis, type 1. Last evaluated: 2023-08-20. Review status: criteria provided, single submitter. Criteria: Invitae Variant Classification Sherloc (09022015). Collection method: clinical testing. Allele origin: germline.
Comment: In summary, the available evidence is currently insufficient to determine the role of this variant in disease. Therefore, it has been classified as a Variant of Uncertain Significance. Advanced modeling of protein sequence and biophysical properties (such as structural, functional, and spatial information, amino acid conservation, physicochemical variation, residue mobility, and thermodynamic stability) performed at Invitae indicates that this missense variant is not expected to disrupt NF1 protein function. This variant has not been reported in the literature in individuals affected with NF1-related conditions. This variant is not present in population databases (gnomAD no frequency). This sequence change replaces glutamine, which is neutral and polar, with glutamic acid, which is acidic and polar, at codon 1374 of the NF1 protein (p.Gln1374Glu).